The following is an entry in ClinVar:

ClinVar aggregate classification (germline): Likely pathogenic (1 of 4 stars; one submission).

Conditions:
Dilated cardiomyopathy 1G (CMD1G). Identifiers: Orphanet 154, MedGen C1858763, MONDO:0011400, OMIM 604145.
Autosomal recessive limb-girdle muscular dystrophy type 2J (LGMDR10). Also called: Limb-girdle muscular dystrophy, type 2J; MUSCULAR DYSTROPHY, LIMB-GIRDLE, AUTOSOMAL RECESSIVE 10. Identifiers: Orphanet 140922, MedGen C1837342, MONDO:0012127, OMIM 608807.

Submission:

Labcorp Genetics (formerly Invitae), Labcorp
Classification: Likely pathogenic for Dilated cardiomyopathy 1G; Autosomal recessive limb-girdle muscular dystrophy type 2J. Last evaluated: 2020-04-08. Review status: criteria provided, single submitter. Criteria: Invitae Variant Classification Sherloc (09022015). Collection method: clinical testing. Allele origin: germline.
Comment: This variant has not been reported in the literature in individuals with TTN-related conditions. This variant is located in the A band of TTN (PMID: 25589632). Truncating variants in this region are significantly overrepresented in patients affected with dilated cardiomyopathy (PMID: 25589632). Truncating variants in this region have also been reported in individuals affected with autosomal recessive centronuclear myopathy (PMID: 23975875). Retrotransposon insertions including LINE1 (L1), Alu, and SVA (SINE-VNTR-Alu) have been reported to disrupt protein function (PMID: 19763152, 20307669, 22406018). In summary, the currently available evidence indicates that the variant is pathogenic, but additional data are needed to prove that conclusively. Therefore, this variant has been classified as Likely Pathogenic. This variant is not present in population databases (ExAC no frequency). This sequence change inserts a large fragment of DNA, likely a transposable element, in exon 319 of the TTN gene (c.67590_67591insSVA), causing a frameshift at codon 22531 (p.Glu22531fs). The exact size and sequence of the insertion cannot be determined by the current assay. While this is not anticipated to result in nonsense mediated decay, it is expected to create a truncated TTN protein.

Literature cited by the submitters: PubMed 25589632; PubMed 23975875; PubMed 19763152; PubMed 20307669; PubMed 22406018.

NM_001267550.2(TTN):c.67590_67591insCTCCATGGGCTCTTCTCTTGCTTTGAAAACTCCCCCTTTTCCCCTCTCCCTCTCCCTCTCCCTCTCCCCCTACCCCTCCCCCTCCCCCTCTCCCTCTNNNNNNNNNNAAAAACAAAAAAAAAAAAAAGAATGAAAATGGA (p.Glu22531fs)

Genes: TTN-AS1 (TTN antisense RNA 1; plus strand), TTN (titin; minus strand), LOC126806423 (CDK7 strongly-dependent group 2 enhancer GRCh37_chr2:179443309-179444508; plus strand). Cytogenetic location: 2q31.2.
Variant type: Insertion.
Coding change: c.67590_67591insCTCCATGGGCTCTTCTCTTGCTTTGAAAACTCCCCCTTTTCCCCTCTCCCTCTCCCTCTCCCTCTCCCCCTACCCCTCCCCCTCCCCCTCTCCCTCTNNNNNNNNNNAAAAACAAAAAAAAAAAAAAGAATGAAAATGGA on transcript NM_001267550.2 (MANE Select); coding-DNA positions 67590 to 67591, CTCCATGGGCTCTTCTCTTGCTTTGAAAACTCCCCCTTTTCCCCTCTCCCTCTCCCTCTCCCTCTCCCCCTACCCCTCCCCCTCCCCCTCTCCCTCTNNNNNNNNNNAAAAACAAAAAAAAAAAAAAGAATGAAAATGGA inserted.
Protein change: p.Glu22531fs; shifts the reading frame from glutamic acid 22531.
Molecular consequence: frameshift variant.
Genome position: GRCh38: chr2:178,579,620-178,579,621. GRCh37 (hg19): chr2:179,444,347-179,444,348.
Other names: c.62667_62668insCTCCATGGGCTCTTCTCTTGCTTTGAAAACTCCCCCTTTTCCCCTCTCCCTCTCCCTCTCCCTCTCCCCCTACCCCTCCCCCTCCCCCTCTCCCTCTNNNNNNNNNNAAAAACAAAAAAAAAAAAAAGAATGAAAATGGA, p.Glu20890fs (NM_001256850.1); c.40395_40396insCTCCATGGGCTCTTCTCTTGCTTTGAAAACTCCCCCTTTTCCCCTCTCCCTCTCCCTCTCCCTCTCCCCCTACCCCTCCCCCTCCCCCTCTCCCTCTNNNNNNNNNNAAAAACAAAAAAAAAAAAAAGAATGAAAATGGA, p.Glu13466fs (NM_003319.4); c.59886_59887insCTCCATGGGCTCTTCTCTTGCTTTGAAAACTCCCCCTTTTCCCCTCTCCCTCTCCCTCTCCCTCTCCCCCTACCCCTCCCCCTCCCCCTCTCCCTCTNNNNNNNNNNAAAAACAAAAAAAAAAAAAAGAATGAAAATGGA, p.Glu19963fs (NM_133378.4); c.40770_40771insCTCCATGGGCTCTTCTCTTGCTTTGAAAACTCCCCCTTTTCCCCTCTCCCTCTCCCTCTCCCTCTCCCCCTACCCCTCCCCCTCCCCCTCTCCCTCTNNNNNNNNNNAAAAACAAAAAAAAAAAAAAGAATGAAAATGGA, p.Glu13591fs (NM_133432.3); c.40971_40972insCTCCATGGGCTCTTCTCTTGCTTTGAAAACTCCCCCTTTTCCCCTCTCCCTCTCCCTCTCCCTCTCCCCCTACCCCTCCCCCTCCCCCTCTCCCTCTNNNNNNNNNNAAAAACAAAAAAAAAAAAAAGAATGAAAATGGA, p.Glu13658fs (NM_133437.4); short protein forms E13466fs, E13591fs, E13658fs, E19963fs, E20890fs, E22531fs.
Identifiers: ClinVar variation 1067063 (VCV001067063.9), dbSNP rs2154175675.